The following is an entry in ClinVar:

ClinVar aggregate classification (germline): Uncertain significance (1 of 4 stars; one submission).

Conditions:
Hereditary cancer-predisposing syndrome. Also called: Neoplastic Syndromes, Hereditary; Tumor predisposition; Hereditary Cancer Syndrome; Hereditary neoplastic syndrome. Identifiers: Orphanet 140162, MedGen C0027672, MeSH D009386, MONDO:0015356.

Submission:

Ambry Genetics
Classification: Uncertain significance for Hereditary cancer-predisposing syndrome. Last evaluated: 2026-05-22. Review status: criteria provided, single submitter. Criteria: Ambry Variant Classification Scheme 2023. Collection method: clinical testing. Allele origin: germline.
Comment: The p.S2028C variant (also known as c.6082A>T), located in coding exon 15 of the APC gene, results from an A to T substitution at nucleotide position 6082. The serine at codon 2028 is replaced by cysteine, an amino acid with dissimilar properties. This amino acid position is conserved. In addition, in silico predictors for this gene do not accurately predict pathogenicity. Based on the available evidence, the clinical significance of this variant remains unclear.

NM_000038.6(APC):c.6082A>T (p.Ser2028Cys)

Gene: APC (APC regulator of Wnt signaling pathway; plus strand). Cytogenetic location: 5q22.2.
Variant type: single nucleotide variant.
Coding change: c.6082A>T on transcript NM_000038.6 (MANE Select); coding-DNA position 6082, A replaced by T.
Protein change: p.Ser2028Cys; replaces serine 2028 with cysteine.
Molecular consequence: missense variant. On other transcripts: non-coding transcript variant (2).
Genome position (GRCh38, 1-based): chr5:112,841,676, A>T. VCF-style: chr5-112841676-A-T. GRCh37 (hg19) VCF-style: chr5-112177373-A-T.
Other names: c.4930A>T, p.Ser1644Cys (NM_001407472.1, NM_001407471.1); c.6082A>T, p.Ser2028Cys (NM_001127510.3, NM_001354895.2, NM_001407450.1); c.6028A>T, p.Ser2010Cys (NM_001127511.3); c.6136A>T, p.Ser2046Cys (NM_001354896.2, NM_001407447.1, NM_001407448.1 and 1 more transcripts); c.6112A>T, p.Ser2038Cys (NM_001354897.2); c.6007A>T, p.Ser2003Cys (NM_001354898.2); c.5998A>T, p.Ser2000Cys (NM_001354899.2); c.5959A>T, p.Ser1987Cys (NM_001354900.2); and 11 more; short protein forms S1644C, S1745C, S1868C, S1899C, S1902C, S1927C, S1937C, S1945C.
Identifiers: ClinVar variation 4861796 (VCV004861796.1).